The following continues an entry in ClinVar:

NM_000243.3(MEFV):c.2080A>G (p.Met694Val)

ClinVar aggregate classification (germline): Pathogenic/Likely pathogenic. Pathogenic (49); Likely pathogenic (2).

Submissions 56 to 61 of 61:

Department of Pathology and Laboratory Medicine, Sinai Health System
Classification: Pathogenic. Review status: no assertion criteria provided. Collection method: clinical testing. Allele origin: unknown. Affected: yes. Study: The Canadian Open Genetics Repository (COGR). Not counted in ClinVar's aggregate classification.
Comment: The MEFV p.Met694Val variant is the most common variant associated with Familial Mediterranean fever (FMF), and has been identified in 1598 of 3112 proband chromosomes (frequency: 0.513) from patients with FMF (Yilmaz_2001_PMID:11464248; Tunca_2005_PMID:15643295; Domingo_2000_PMID:10854105). The variant was also identified in dbSNP (ID: rs61752717), ClinVar (classified as pathogenic by Invitae, GeneDx and nine other laboratories, and as likely pathogenic by the Swiss Institute of Bioinformatics) and LOVD 3.0 (classified as pathogenic). The variant was identified in control databases in 77 of 282876 chromosomes (1 homozygous) at a frequency of 0.000272 (Genome Aggregation Database Feb 27, 2017). The variant was observed in the following populations: Other in 7 of 7226 chromosomes (freq: 0.000969), European (non-Finnish) in 59 of 129184 chromosomes (freq: 0.000457), Latino in 9 of 35438 chromosomes (freq: 0.000254) and African in 2 of 24968 chromosomes (freq: 0.00008); it was not observed in the Ashkenazi Jewish, East Asian, European (Finnish), and South Asian populations. One study of a Turkish population with FMF found that homozygosity for the M694V variant was associated with an earlier age of onset and a higher likelihood or developing arthritis and arthralgia (Tunca_2005_PMID:15643295). Individuals with the p.M694V pathogenic variant, particularly homozygous individuals, are at increased risk for amyloidosis (Dusunsel_2008_PMID:18353061) and have a decreased response to colchicine (Soylemezoglu_2010_PMID:20008920). Another study found that the M694V variant was associated with increased susceptibility to ankylosing spondylitis (OR=3.33) (Zhong_2017_PMID:28800602). The variant occurs outside of the splicing consensus sequence and 2 of 4 in silico or computational prediction software programs (MaxEntScan, GeneSplicer) predict a greater than 10% difference in splicing; this is not very predictive of pathogenicity.The p.Met694 residue is not conserved in mammals and four out of five computational analyses (SIFT, AlignGVGD, BLOSUM, MutationTaster) do not suggest a high likelihood of impact to the protein; however, this information is not predictive enough to rule out pathogenicity. Further, functional studies of the M694V variant have shown impaired pyrin (encoded by the MEFV gene) function (Sugiyama_2014_PMID:24318677). In summary, based on the above information this variant meets our laboratoryâ€šÃ„Ã´s criteria to be classified as pathogenic.

Diagnostic Laboratory, Department of Genetics, University Medical Center Groningen
Classification: Pathogenic. Review status: no assertion criteria provided. Collection method: clinical testing. Allele origin: germline. Affected: yes. Study: VKGL Data-share Consensus. Not counted in ClinVar's aggregate classification.

GeneReviews
No classification provided. Condition: Familial Mediterranean fever. Review status: no classification provided. Collection method: literature only. Allele origin: germline. Affected: yes. Not counted in ClinVar's aggregate classification.

Genome Diagnostics Laboratory, Amsterdam University Medical Center
Classification: Pathogenic. Review status: no assertion criteria provided. Collection method: clinical testing. Allele origin: germline. Affected: yes. Study: VKGL Data-share Consensus. Not counted in ClinVar's aggregate classification.

Genome Diagnostics Laboratory, University Medical Center Utrecht
Classification: Pathogenic. Review status: no assertion criteria provided. Collection method: clinical testing. Allele origin: germline. Affected: yes. Study: VKGL Data-share Consensus. Not counted in ClinVar's aggregate classification.

Joint Genome Diagnostic Labs from Nijmegen and Maastricht, Radboudumc and MUMC+
Classification: Pathogenic. Review status: no assertion criteria provided. Collection method: clinical testing. Allele origin: germline. Affected: yes. Study: VKGL Data-share Consensus. Not counted in ClinVar's aggregate classification.

Literature cited by the submitters: PubMed 29393966 (cited by Victorian Clinical Genetics Services, Murdoch Childrens Research Institute); PubMed 11528510 (cited by Victorian Clinical Genetics Services, Murdoch Childrens Research Institute); PubMed 21600797 (cited by 3 submitters); PubMed 31088470 (cited by Victorian Clinical Genetics Services, Murdoch Childrens Research Institute); PubMed 20301405 (cited by 3 submitters); PubMed 9781020 (cited by 3 submitters); PubMed 10364520 (cited by 4 submitters); PubMed 20008920 (cited by 4 submitters); PubMed 21290976 (cited by Labcorp Genetics (formerly Invitae), Labcorp and OMIM); PubMed 22037353 (cited by 3 submitters); PubMed 24318677 (cited by 4 submitters); PubMed 10787449 (cited by Labcorp Genetics (formerly Invitae), Labcorp); PubMed 15942916 (cited by Labcorp Genetics (formerly Invitae), Labcorp); PubMed 23031807 (cited by 3billion); PubMed 11977178 (cited by 3billion); PubMed 10879615 (cited by 3billion); PubMed 9288758 (cited by 4 submitters); PubMed 32476680 (cited by Natera, Inc.); PubMed 11470495 (cited by Natera, Inc.); PubMed 26215181 (cited by Natera, Inc.); PubMed 10662876 (cited by New York Genome Center); PubMed 11728994 (cited by New York Genome Center); PubMed 22766764 (cited by New York Genome Center); PubMed 23907647 (cited by New York Genome Center and Myriad Genetics, Inc.); PubMed 28828621 (cited by New York Genome Center); PubMed 29080837 (cited by New York Genome Center); PubMed 29543225 (cited by New York Genome Center); PubMed 32806879 (cited by New York Genome Center); PubMed 32199921 (cited by New York Genome Center); PubMed 32741030 (cited by New York Genome Center); PubMed 23334425 (cited by Pittsburgh Clinical Genomics Laboratory, University of Pittsburgh Medical Center and Myriad Genetics, Inc.); PubMed 11938447 (cited by Pittsburgh Clinical Genomics Laboratory, University of Pittsburgh Medical Center and Ambry Genetics); PubMed 30171907 (cited by Pittsburgh Clinical Genomics Laboratory, University of Pittsburgh Medical Center and OMIM); PubMed 16627024 (cited by Pittsburgh Clinical Genomics Laboratory, University of Pittsburgh Medical Center); PubMed 19790133 (cited by Pittsburgh Clinical Genomics Laboratory, University of Pittsburgh Medical Center and Women's Health and Genetics/Laboratory Corporation of America, LabCorp); PubMed 16785446 (cited by Pittsburgh Clinical Genomics Laboratory, University of Pittsburgh Medical Center and Myriad Genetics, Inc.); PubMed 23164758 (cited by Mayo Clinic Laboratories, Mayo Clinic); PubMed 24369413 (cited by Mayo Clinic Laboratories, Mayo Clinic and Ambry Genetics); PubMed 11464248 (cited by Myriad Genetics, Inc. and OMIM); PubMed 33223529 (cited by Hadassah Hebrew University Medical Center); PubMed 9288094 (cited by OMIM); PubMed 27030597 (cited by OMIM); PubMed 16889173 (cited by GeneReviews); PubMed 15643295 (cited by GeneReviews); PubMed 18353061 (cited by GeneReviews); NCBI Bookshelf NBK1227 (cited by GeneReviews).